The following is an entry in ClinVar:

NM_007194.4(CHEK2):c.1512A>G (p.Glu504=)

Gene: CHEK2 (checkpoint kinase 2; minus strand). Cytogenetic location: 22q12.1.
Variant type: single nucleotide variant.
Coding change: c.1512A>G on transcript NM_007194.4 (MANE Select); coding-DNA position 1512, A replaced by G.
Protein change: p.Glu504=; no amino-acid change (glutamic acid 504 retained).
Molecular consequence: synonymous variant.
Genome position (GRCh38, 1-based): chr22:28,689,165, T>C on the plus strand (A>G on the coding strand, the complement: CHEK2 is on the minus strand). VCF-style: chr22-28689165-T-C. GRCh37 (hg19) VCF-style: chr22-29085153-T-C.
Other names: c.1641A>G, p.Glu547= (NM_001005735.3); c.849A>G, p.Glu283= (NM_001257387.3); c.1311A>G, p.Glu437= (NM_001349956.3); c.1425A>G, p.Glu475= (NM_145862.3).
Identifiers: ClinVar variation 3772748 (VCV003772748.1).
Genomic context (GRCh38, chr22:28,689,165, plus strand): 5'-ACATTTAGTGATCATCAGGAATACGAATACCTGGGCTAGAACCTGGGGTAGAGCTGTGGA[T>C]TCATTTTCCTCAGACAGAAGATCTTGAAACTTTCTCTTCATGTCTTCATCCTGTGAGGGA-3'
Protein context (NP_009125.1, residues 494-514): KFQDLLSEEN[Glu504=]STALPQVLAQ

ClinVar aggregate classification (germline): Benign (1 of 4 stars; one submission).

Conditions:
Familial cancer of breast. Also called: Hereditary breast cancer; BREAST CANCER, FAMILIAL; hereditary breast carcinoma. Identifiers: Orphanet 227535, MedGen C0346153, MONDO:0016419, OMIM 114480. Disease mechanism: loss of function.

Submission:

Myriad Genetics, Inc.
Classification: Benign for Familial cancer of breast. Last evaluated: 2024-10-08. Review status: criteria provided, single submitter. Criteria: Myriad Autosomal Dominant, Autosomal Recessive and X-Linked Classification Criteria (2023). Collection method: clinical testing. Allele origin: unknown.
Comment: This variant is considered benign. This variant is a silent/synonymous amino acid change and it is not expected to impact splicing.